The following is an entry in ClinVar:

NM_003801.4(GPAA1):c.1127C>T (p.Pro376Leu)

Gene: GPAA1 (glycosylphosphatidylinositol anchor attachment 1; plus strand). Cytogenetic location: 8q24.3.
Variant type: single nucleotide variant.
Coding change: c.1127C>T on transcript NM_003801.4 (MANE Select); coding-DNA position 1127, C replaced by T.
Protein change: p.Pro376Leu; replaces proline 376 with leucine.
Molecular consequence: missense variant.
Genome position (GRCh38, 1-based): chr8:144,084,838, C>T. VCF-style: chr8-144084838-C-T. GRCh37 (hg19) VCF-style: chr8-145139741-C-T.
Other names: short protein forms P376L.
Identifiers: ClinVar variation 2130792 (VCV002130792.4), dbSNP rs782568002, ClinGen allele CA372501519.
Genomic context (GRCh38, chr8:144,084,838, plus strand): 5'-CCTTCTTCCTCTACTTGCTCCCCGGCCTCTCCCGCTTCGTCTCCATCGGCCTCTACATGC[C>T]CGCTGTCGGCTTCTTGCTCCTGGTCCTTGGTCTCAAGATATCCTCTGCCCCTTGCCATCT-3'
Protein context (NP_003792.1, residues 366-386): SRFVSIGLYM[Pro376Leu]AVGFLLLVLG

ClinVar aggregate classification (germline): Uncertain significance (1 of 4 stars; one submission).

Submission:

Labcorp Genetics (formerly Invitae), Labcorp
Classification: Uncertain significance. Last evaluated: 2025-10-02. Review status: criteria provided, single submitter. Criteria: Invitae Variant Classification Sherloc (09022015). Collection method: clinical testing. Allele origin: germline.
Comment: This sequence change replaces proline, which is neutral and non-polar, with leucine, which is neutral and non-polar, at codon 376 of the GPAA1 protein (p.Pro376Leu). This variant is not present in population databases (gnomAD no frequency). This variant has not been reported in the literature in individuals affected with GPAA1-related conditions. ClinVar contains an entry for this variant (Variation ID: 2130792). Invitae Evidence Modeling of protein sequence and biophysical properties (such as structural, functional, and spatial information, amino acid conservation, physicochemical variation, residue mobility, and thermodynamic stability) indicates that this missense variant is not expected to disrupt GPAA1 protein function with a negative predictive value of 80%. In summary, the available evidence is currently insufficient to determine the role of this variant in disease. Therefore, it has been classified as a Variant of Uncertain Significance.